The following is an entry in ClinVar:

NM_000022.4(ADA):c.751A>T (p.Arg251Trp)

Gene: ADA (adenosine deaminase; minus strand). Cytogenetic location: 20q13.12.
Variant type: single nucleotide variant.
Coding change: c.751A>T on transcript NM_000022.4 (MANE Select); coding-DNA position 751, A replaced by T.
Protein change: p.Arg251Trp; replaces arginine 251 with tryptophan.
Molecular consequence: missense variant. On other transcripts: non-coding transcript variant (1).
Genome position (GRCh38, 1-based): chr20:44,622,858, T>A on the plus strand (A>T on the coding strand, the complement: ADA is on the minus strand). VCF-style: chr20-44622858-T-A. GRCh37 (hg19) VCF-style: chr20-43251499-T-A.
Other names: c.346A>T, p.Arg116Trp (NM_001322050.2); c.679A>T, p.Arg227Trp (NM_001322051.2); short protein forms R251W, R116W, R227W.
Identifiers: ClinVar variation 1047597 (VCV001047597.10), dbSNP rs1254815787, ClinGen allele CA409120207.

ClinVar aggregate classification (germline): Uncertain significance. Review status: criteria provided, multiple submitters, no conflicts (2 of 4 stars). 3 submissions from 3 submitters: Uncertain significance (2). 1 of the submissions does not count toward it. Last evaluated 2024-10-29.

Conditions:
Severe combined immunodeficiency, autosomal recessive, T cell-negative, B cell-negative, NK cell-negative, due to adenosine deaminase deficiency. Also called: ADA-SCID; ADA deficiency; Adenosine deaminase deficient severe combined immunodeficiency; Severe combined immunodeficiency due to ADA deficiency; Adenosine Deaminase Deficiency; SCID DUE TO ADA DEFICIENCY. Identifiers: Orphanet 277, MedGen C0392607, MONDO:0007064, OMIM 102700.

Allele frequency attached by ClinVar (database versions not stated): gnomAD exomes below 0.00001.
gnomAD v4.1: 2 of 1,614,206 alleles (0.00012%); highest among the groups gnomAD compares: Admixed American, 0.0033%; no homozygotes.

Submissions (3):

Labcorp Genetics (formerly Invitae), Labcorp
Classification: Uncertain significance for Severe combined immunodeficiency, autosomal recessive, T cell-negative, B cell-negative, NK cell-negative, due to adenosine deaminase deficiency. Last evaluated: 2024-10-29. Review status: criteria provided, single submitter. Criteria: Invitae Variant Classification Sherloc (09022015). Collection method: clinical testing. Allele origin: germline.
Comment: This sequence change replaces arginine, which is basic and polar, with tryptophan, which is neutral and slightly polar, at codon 251 of the ADA protein (p.Arg251Trp). This variant is present in population databases (no rsID available, gnomAD 0.003%). This variant has not been reported in the literature in individuals affected with ADA-related conditions. ClinVar contains an entry for this variant (Variation ID: 1047597). Invitae Evidence Modeling of protein sequence and biophysical properties (such as structural, functional, and spatial information, amino acid conservation, physicochemical variation, residue mobility, and thermodynamic stability) indicates that this missense variant is not expected to disrupt ADA protein function with a negative predictive value of 80%. In summary, the available evidence is currently insufficient to determine the role of this variant in disease. Therefore, it has been classified as a Variant of Uncertain Significance.

Breakthrough Genomics
Classification: Uncertain significance. Review status: criteria provided, single submitter. Criteria: ACMG Guidelines, 2015. Collection method: not provided. Allele origin: germline. Inheritance: Autosomal dominant inheritance. Affected: yes.

Natera, Inc.
Classification: Uncertain significance for Severe combined immunodeficiency due to ADA deficiency. Last evaluated: 2021-03-11. Review status: no assertion criteria provided. Collection method: clinical testing. Allele origin: germline. Not counted in ClinVar's aggregate classification.